The following is an entry in ClinVar:

ClinVar aggregate classification (germline): Likely pathogenic (1 of 4 stars; one submission).

Conditions:
Telangiectasia, hereditary hemorrhagic, type 2 (HHT2). Also called: ACVRL1-Related Hereditary Hemorrhagic Telangiectasia; Telangiectasia, hereditary hemorrhagic, type II. Identifiers: Orphanet 774, MedGen C1838163, MONDO:0010880, OMIM 600376. Disease mechanism: loss of function.

Submission:

ARUP Laboratories, Molecular Genetics and Genomics, ARUP Laboratories
Classification: Likely pathogenic for Telangiectasia, hereditary hemorrhagic, type 2. Last evaluated: 2019-12-08. Review status: criteria provided, single submitter. Criteria: ARUP Molecular Germline Variant Investigation Process. Collection method: clinical testing. Allele origin: germline.
Comment: The ACVRL1 c.687G>C; p.Lys229Asn variant, to our knowledge, is not reported in the medical literature or gene specific databases. This variant is also absent from general population databases (Exome Variant Server, Genome Aggregation Database), indicating it is not a common polymorphism. The lysine at codon 229 is a highly conserved residue located in the ATP binding site of the protein (Interpro), and computational analyses (SIFT, PolyPhen-2) predict that this variant is deleterious. Additionally, other amino acid alterations at this codon (Lys229Glu, Lys229Met, Lys229Arg) have been reported in individuals either clinically diagnosed with HHT or suspected to have HHT (Lenato 2006, Lesca 2004, see ClinVar Variation ID: 660559). Based on available information, this variant is considered to be likely pathogenic. REFERENCES Lenato GM et al. DHPLC-based mutation analysis of ENG and ALK-1 genes in HHT Italian population. Hum Mutat. 2006 Feb;27(2):213-4. Lesca G et al. Molecular screening of ALK1/ACVRL1 and ENG genes in hereditary hemorrhagic telangiectasia in France. Hum Mutat. 2004 Apr;23(4):289-99.

NM_000020.3(ACVRL1):c.687G>C (p.Lys229Asn)

Gene: ACVRL1 (activin A receptor like type 1; plus strand). Cytogenetic location: 12q13.13.
Variant type: single nucleotide variant.
Coding change: c.687G>C on transcript NM_000020.3 (MANE Select); coding-DNA position 687, G replaced by C.
Protein change: p.Lys229Asn; replaces lysine 229 with asparagine.
Molecular consequence: missense variant.
Genome position (GRCh38, 1-based): chr12:51,914,500, G>C. VCF-style: chr12-51914500-G-C. GRCh37 (hg19) VCF-style: chr12-52308284-G-C.
Other names: c.687G>C, p.Lys229Asn (NM_001077401.2); short protein forms K229N.
Identifiers: ClinVar variation 993409 (VCV000993409.8), dbSNP rs1940782986, ClinGen allele CA384900074.
Genomic context (GRCh38, chr12:51,914,500, plus strand): 5'-AAAAGGCCGCTATGGCGAAGTGTGGCGGGGCTTGTGGCACGGTGAGAGTGTGGCCGTCAA[G>C]ATCTTCTCCTCGAGGGATGAACAGTCCTGGTTCCGGGAGACTGAGATCTATAACACAGTG-3'
Protein context (NP_000011.2, residues 219-239): GLWHGESVAV[Lys229Asn]IFSSRDEQSW